The following is an entry in ClinVar:

ClinVar aggregate classification (germline): Uncertain significance (1 of 4 stars; one submission).

Allele frequency attached by ClinVar (database versions not stated): gnomAD exomes 0.00002 and 0.00004; ExAC 0.00003; gnomAD 0.00003 and 0.00004; TOPMed 0.00004.

Submission:

Labcorp Genetics (formerly Invitae), Labcorp
Classification: Uncertain significance. Last evaluated: 2022-05-26. Review status: criteria provided, single submitter. Criteria: Invitae Variant Classification Sherloc (09022015). Collection method: clinical testing. Allele origin: germline.
Comment: This sequence change replaces arginine, which is basic and polar, with cysteine, which is neutral and slightly polar, at codon 97 of the SBF1 protein (p.Arg97Cys). This variant is present in population databases (rs776837522, gnomAD 0.005%). This variant has not been reported in the literature in individuals affected with SBF1-related conditions. Algorithms developed to predict the effect of missense changes on protein structure and function output the following: SIFT: "Tolerated"; PolyPhen-2: "Benign"; Align-GVGD: "Class C0". The cysteine amino acid residue is found in multiple mammalian species, which suggests that this missense change does not adversely affect protein function. Algorithms developed to predict the effect of sequence changes on RNA splicing suggest that this variant may create or strengthen a splice site. In summary, the available evidence is currently insufficient to determine the role of this variant in disease. Therefore, it has been classified as a Variant of Uncertain Significance.

NM_002972.4(SBF1):c.289C>T (p.Arg97Cys)

Gene: SBF1 (SET binding factor 1; minus strand). Cytogenetic location: 22q13.33.
Variant type: single nucleotide variant.
Coding change: c.289C>T on transcript NM_002972.4 (MANE Select); coding-DNA position 289, C replaced by T.
Protein change: p.Arg97Cys; replaces arginine 97 with cysteine.
Molecular consequence: missense variant.
Genome position (GRCh38, 1-based): chr22:50,467,681, G>A on the plus strand (C>T on the coding strand, the complement: SBF1 is on the minus strand). VCF-style: chr22-50467681-G-A. GRCh37 (hg19) VCF-style: chr22-50906110-G-A.
Other names: c.292C>T, p.Arg98Cys (NM_001365819.1); short protein forms R97C, R98C.
Identifiers: ClinVar variation 1362219 (VCV001362219.3), dbSNP rs776837522, ClinGen allele CA10318138.